The following is an entry in ClinVar:

ClinVar aggregate classification (germline): Uncertain significance. Review status: criteria provided, multiple submitters, no conflicts (2 of 4 stars). 2 submissions from 2 submitters: Uncertain significance (2). Last evaluated 2024-02-02.

Conditions:
Monilethrix. Also called: Beaded hair. Identifiers: Orphanet 573, MedGen C0546966, MONDO:0008009, HP:0032470.

Allele frequency attached by ClinVar (database versions not stated): gnomAD exomes 0.00001 and 0.00002; ExAC 0.00002; TOPMed 0.00002; gnomAD 0.00004; ESP Exome Variant Server 0.00008.
gnomAD v4.1: 24 of 1,614,066 alleles (0.0015%); highest among the groups gnomAD compares: Middle Eastern, 0.016%; no homozygotes.

Submissions (2):

Labcorp Genetics (formerly Invitae), Labcorp
Classification: Uncertain significance. Last evaluated: 2024-02-02. Review status: criteria provided, single submitter. Criteria: Invitae Variant Classification Sherloc (09022015). Collection method: clinical testing. Allele origin: germline.
Comment: This sequence change replaces arginine, which is basic and polar, with glutamine, which is neutral and polar, at codon 272 of the KRT83 protein (p.Arg272Gln). This variant is present in population databases (rs369510264, gnomAD 0.006%). This variant has not been reported in the literature in individuals affected with KRT83-related conditions. ClinVar contains an entry for this variant (Variation ID: 309518). Advanced modeling of protein sequence and biophysical properties (such as structural, functional, and spatial information, amino acid conservation, physicochemical variation, residue mobility, and thermodynamic stability) performed at Invitae indicates that this missense variant is not expected to disrupt KRT83 protein function with a negative predictive value of 80%. In summary, the available evidence is currently insufficient to determine the role of this variant in disease. Therefore, it has been classified as a Variant of Uncertain Significance.

Illumina Laboratory Services, Illumina
Classification: Uncertain significance for Monilethrix-1. Last evaluated: 2018-01-13. Review status: criteria provided, single submitter. Criteria: ICSL Variant Classification Criteria 13 December 2019. Collection method: clinical testing. Allele origin: germline.

NM_002282.3(KRT83):c.815G>A (p.Arg272Gln)

Gene: KRT83 (keratin 83; minus strand). Cytogenetic location: 12q13.13.
Variant type: single nucleotide variant.
Coding change: c.815G>A on transcript NM_002282.3 (MANE Select); coding-DNA position 815, G replaced by A.
Protein change: p.Arg272Gln; replaces arginine 272 with glutamine.
Molecular consequence: missense variant.
Genome position (GRCh38, 1-based): chr12:52,316,959, C>T on the plus strand (G>A on the coding strand, the complement: KRT83 is on the minus strand). VCF-style: chr12-52316959-C-T. GRCh37 (hg19) VCF-style: chr12-52710743-C-T.
Other names: short protein forms R272Q.
Identifiers: ClinVar variation 309518 (VCV000309518.7), dbSNP rs369510264, ClinGen allele CA6577510.
Genomic context (GRCh38, chr12:52,316,959, plus strand): 5'-GTGGCAATGTCATCATACTGTGCCTTGATCTCGGCAACGATGCAGTCCATGTTCAGGTCC[C>T]GGCTGTTGTCCAGCTTGACAACCACGGAGGTGTCTGAGATGTGGGATTGGAGAATGCGGA-3'
Protein context (NP_002273.3, residues 262-282): TSVVVKLDNS[Arg272Gln]DLNMDCIVAE